The following is an entry in ClinVar:

NM_001558.4(IL10RA):c.1502C>T (p.Pro501Leu)

Gene: IL10RA (interleukin 10 receptor subunit alpha; plus strand). Cytogenetic location: 11q23.3.
Variant type: single nucleotide variant.
Coding change: c.1502C>T on transcript NM_001558.4 (MANE Select); coding-DNA position 1502, C replaced by T.
Protein change: p.Pro501Leu; replaces proline 501 with leucine.
Molecular consequence: missense variant. On other transcripts: non-coding transcript variant (1).
Genome position (GRCh38, 1-based): chr11:117,999,406, C>T. VCF-style: chr11-117999406-C-T. GRCh37 (hg19) VCF-style: chr11-117870121-C-T.
Other names: short protein forms P501L.
Identifiers: ClinVar variation 3001160 (VCV003001160.4), dbSNP rs768629345, ClinGen allele CA6299194.

ClinVar aggregate classification (germline): Uncertain significance. Review status: criteria provided, multiple submitters, no conflicts (2 of 4 stars). 2 submissions from 2 submitters: Uncertain significance (2). Last evaluated 2025-05-04.

Conditions:
Inflammatory bowel disease 28. Also called: Inflammatory bowel disease 28, early onset, autosomal recessive. Identifiers: Orphanet 238569, MedGen C2751053, MONDO:0013153, OMIM 613148.
Inborn genetic diseases. Identifiers: MedGen C0950123, MeSH D030342.

Allele frequency attached by ClinVar (database versions not stated): TOPMed 0.00001; ExAC 0.00002.
gnomAD v4.1: 9 of 1,614,216 alleles (0.00056%); highest among the groups gnomAD compares: Non-Finnish European, 0.00068%; no homozygotes.

Submissions (2):

Ambry Genetics
Classification: Uncertain significance for Inborn genetic diseases. Last evaluated: 2025-05-04. Review status: criteria provided, single submitter. Criteria: Ambry Variant Classification Scheme 2023. Collection method: clinical testing. Allele origin: germline.

Labcorp Genetics (formerly Invitae), Labcorp
Classification: Uncertain significance for Inflammatory bowel disease 28. Last evaluated: 2023-05-26. Review status: criteria provided, single submitter. Criteria: Invitae Variant Classification Sherloc (09022015). Collection method: clinical testing. Allele origin: germline.
Comment: This variant has not been reported in the literature in individuals affected with IL10RA-related conditions. Advanced modeling of protein sequence and biophysical properties (such as structural, functional, and spatial information, amino acid conservation, physicochemical variation, residue mobility, and thermodynamic stability) performed at Invitae indicates that this missense variant is not expected to disrupt IL10RA protein function. This variant is present in population databases (rs768629345, gnomAD 0.002%). In summary, the available evidence is currently insufficient to determine the role of this variant in disease. Therefore, it has been classified as a Variant of Uncertain Significance. This sequence change replaces proline, which is neutral and non-polar, with leucine, which is neutral and non-polar, at codon 501 of the IL10RA protein (p.Pro501Leu).